The following is an entry in ClinVar:

ClinVar aggregate classification (germline): Uncertain significance (1 of 4 stars; one submission).

Conditions:
Rhabdoid tumor predisposition syndrome 2 (RTPS2). Identifiers: Orphanet 231108, Orphanet 69077, MedGen C2750074, MONDO:0013224, OMIM 613325.

Allele frequency attached by ClinVar (database versions not stated): TOPMed below 0.00001; gnomAD 0.00001.

Submission:

Labcorp Genetics (formerly Invitae), Labcorp
Classification: Uncertain significance for Rhabdoid tumor predisposition syndrome 2. Last evaluated: 2022-05-07. Review status: criteria provided, single submitter. Criteria: Invitae Variant Classification Sherloc (09022015). Collection method: clinical testing. Allele origin: germline.
Comment: In summary, the available evidence is currently insufficient to determine the role of this variant in disease. Therefore, it has been classified as a Variant of Uncertain Significance. Experimental studies and prediction algorithms are not available or were not evaluated, and the functional significance of this variant is currently unknown. ClinVar contains an entry for this variant (Variation ID: 572827). This variant has not been reported in the literature in individuals affected with SMARCA4-related conditions. This variant is not present in population databases (gnomAD no frequency). This variant, c.4789_4791del, results in the deletion of 1 amino acid(s) of the SMARCA4 protein (p.Glu1597del), but otherwise preserves the integrity of the reading frame.

NM_003072.5(SMARCA4):c.4693_4695del (p.Glu1565del)

Gene: SMARCA4 (SWI/SNF related BAF chromatin remodeling complex subunit ATPase 4; plus strand). Cytogenetic location: 19p13.2.
Variant type: Deletion.
Coding change: c.4693_4695del on transcript NM_003072.5 (MANE Select); coding-DNA positions 4693 to 4695, 3 bases deleted (GAG; older notation c.4693_4695delGAG).
Protein change: p.Glu1565del; deletes glutamic acid 1565.
Molecular consequence: inframe deletion. On other transcripts: non-coding transcript variant (1).
Genome position (GRCh38, 1-based): chr19:11,059,810-11,059,812, GAG deleted. VCF-style (leftmost placement, unchanged base first): chr19-11059809-CGAG-C. GRCh37 (hg19) VCF-style: chr19-11170485-CGAG-C.
Other names: c.4693_4695del, p.Glu1565del (NM_001128844.3); c.4603_4605del, p.Glu1535del (NM_001128845.2); c.4600_4602del, p.Glu1534del (NM_001128846.2); c.4594_4596del, p.Glu1532del (NM_001128847.4, NM_001374457.1); c.4591_4593del, p.Glu1531del (NM_001128848.2); c.4789_4791del, p.Glu1597del (NM_001128849.3, NM_001387283.1); short protein forms E1597del, E1565del, E1532del, E1535del, E1531del, E1534del.
Identifiers: ClinVar variation 572827 (VCV000572827.10), dbSNP rs1176307604, ClinGen allele CA783236647.